The following is an entry in ClinVar:

ClinVar aggregate classification (germline): Uncertain significance (1 of 4 stars; one submission).

Conditions:
Immunodeficiency 104. Also called: SCID, AUTOSOMAL RECESSIVE, T CELL-NEGATIVE, B CELL-POSITIVE, NK CELL-POSITIVE; IMMUNODEFICIENCY 104, SEVERE COMBINED; Severe Combined Immune Deficiency, Autosomal Recessive, TCell -Negative, B Cell-Positive, NK Cell-Positive, IL7R-Related; Severe combined immunodeficiency, autosomal recessive, T cell-negative, B cell-positive, NK cell-positive. Identifiers: MedGen C5676890, MONDO:0012163, OMIM 608971.

Allele frequency attached by ClinVar (database versions not stated): gnomAD exomes below 0.00001; ExAC 0.00001.
gnomAD v4.1: 1 of 1,614,170 alleles (0.000062%); highest among the groups gnomAD compares: Non-Finnish European, 0.000085%; no homozygotes.

Submission:

Labcorp Genetics (formerly Invitae), Labcorp
Classification: Uncertain significance for Immunodeficiency 104. Last evaluated: 2022-06-20. Review status: criteria provided, single submitter. Criteria: Invitae Variant Classification Sherloc (09022015). Collection method: clinical testing. Allele origin: germline.
Comment: This sequence change replaces threonine, which is neutral and polar, with asparagine, which is neutral and polar, at codon 168 of the PTPRC protein (p.Thr168Asn). This variant is present in population databases (rs780009687, gnomAD 0.0009%). This variant has not been reported in the literature in individuals affected with PTPRC-related conditions. Algorithms developed to predict the effect of missense changes on protein structure and function (SIFT, PolyPhen-2, Align-GVGD) all suggest that this variant is likely to be tolerated. In summary, the available evidence is currently insufficient to determine the role of this variant in disease. Therefore, it has been classified as a Variant of Uncertain Significance.

NM_002838.5(PTPRC):c.503C>A (p.Thr168Asn)

Gene: PTPRC (protein tyrosine phosphatase receptor type C; plus strand). Cytogenetic location: 1q32.1.
Variant type: single nucleotide variant.
Coding change: c.503C>A on transcript NM_002838.5 (MANE Select); coding-DNA position 503, C replaced by A.
Protein change: p.Thr168Asn; replaces threonine 168 with asparagine.
Molecular consequence: missense variant. On other transcripts: intron variant (1).
Genome position (GRCh38, 1-based): chr1:198,702,450, C>A. VCF-style: chr1-198702450-C-A. GRCh37 (hg19) VCF-style: chr1-198671579-C-A.
Other names: c.101-848C>A (NM_080921.4); short protein forms T168N.
Identifiers: ClinVar variation 1489121 (VCV001489121.5), dbSNP rs780009687, ClinGen allele CA1314519.